The following is an entry in ClinVar:

NM_001457.4(FLNB):c.3725-311T>A

Gene: FLNB (filamin B; plus strand). Cytogenetic location: 3p14.3.
Variant type: single nucleotide variant.
Coding change: c.3725-311T>A on transcript NM_001457.4 (MANE Select); 311 bases into the intron before coding-DNA position 3725, T replaced by A.
Molecular consequence: intron variant.
Genome position (GRCh38, 1-based): chr3:58,124,021, T>A. VCF-style: chr3-58124021-T-A. GRCh37 (hg19) VCF-style: chr3-58109748-T-A.
Other names: c.3725-311T>A (NM_001164317.2, NM_001164318.2, NM_001164319.2).
Identifiers: ClinVar variation 671078 (VCV000671078.1), dbSNP rs4681800, ClinGen allele CA75448217.

ClinVar aggregate classification (germline): Benign (1 of 4 stars; one submission).

Allele frequency attached by ClinVar (database versions not stated): gnomAD 0.42173 and 0.43082; TOPMed 0.45727; 1000 Genomes Project 0.64477; 1000 Genomes Project 30x 0.64694.
gnomAD v4.1: 65,381 of 152,090 alleles (43%); highest among the groups gnomAD compares: East Asian, 97%; 17,769 homozygotes.

Submission:

GeneDx
Classification: Benign. Last evaluated: 2018-06-14. Review status: criteria provided, single submitter. Criteria: GeneDx Variant Classification (06012015). Collection method: clinical testing. Allele origin: germline. Affected: yes.
Comment: This variant is considered likely benign or benign based on one or more of the following criteria: it is a conservative change, it occurs at a poorly conserved position in the protein, it is predicted to be benign by multiple in silico algorithms, and/or has population frequency not consistent with disease.